The following is an entry in ClinVar:

NM_002878.4(RAD51D):c.851C>T (p.Ala284Val)

Genes: RAD51D (RAD51 paralog D; minus strand), RAD51L3-RFFL (RAD51L3-RFFL readthrough; minus strand). Cytogenetic location: 17q12.
Variant type: single nucleotide variant.
Coding change: c.851C>T on transcript NM_002878.4 (MANE Select); coding-DNA position 851, C replaced by T.
Protein change: p.Ala284Val; replaces alanine 284 with valine.
Molecular consequence: missense variant. On other transcripts: non-coding transcript variant (3).
Genome position (GRCh38, 1-based): chr17:35,101,253, G>A on the plus strand (C>T on the coding strand, the complement: RAD51D is on the minus strand). VCF-style: chr17-35101253-G-A. GRCh37 (hg19) VCF-style: chr17-33428272-G-A.
Other names: c.911C>T, p.Ala304Val (NM_001142571.2); c.515C>T, p.Ala172Val (NM_133629.3); short protein forms A172V, A284V, A304V.
Identifiers: ClinVar variation 1716660 (VCV001716660.5), dbSNP rs2142411425, ClinGen allele CA399086542.
Genomic context (GRCh38, chr17:35,101,253, plus strand): 5'-TGGCTCACCTGTCGGGAAGATTTGGCCAGACACGCCATGCGCCGGCCGCCTGATGCTCCT[G>A]CTCCCTCGATGGTGTCCAGGAGAATCCGAGTGCTGGGCACAAAGCTCCAGGAGCGTCCGA-3'
Protein context (NP_002869.3, residues 274-294): TRILLDTIEG[Ala284Val]GASGGRRMAC

ClinVar aggregate classification (germline): Uncertain significance (1 of 4 stars; one submission).

Conditions:
Breast-ovarian cancer, familial, susceptibility to, 4. Identifiers: Orphanet 145, MedGen C3280345, MONDO:0013669, OMIM 614291.

Submission:

Labcorp Genetics (formerly Invitae), Labcorp
Classification: Uncertain significance for Breast-ovarian cancer, familial, susceptibility to, 4. Last evaluated: 2022-08-18. Review status: criteria provided, single submitter. Criteria: Invitae Variant Classification Sherloc (09022015). Collection method: clinical testing. Allele origin: germline.
Comment: In summary, the available evidence is currently insufficient to determine the role of this variant in disease. Therefore, it has been classified as a Variant of Uncertain Significance. Algorithms developed to predict the effect of missense changes on protein structure and function (SIFT, PolyPhen-2, Align-GVGD) all suggest that this variant is likely to be tolerated. This variant has not been reported in the literature in individuals affected with RAD51D-related conditions. This variant is not present in population databases (gnomAD no frequency). This sequence change replaces alanine, which is neutral and non-polar, with valine, which is neutral and non-polar, at codon 284 of the RAD51D protein (p.Ala284Val).